The following is an entry in ClinVar:

ClinVar aggregate classification (germline): Uncertain significance (1 of 4 stars; one submission).

Submission:

GeneDx
Classification: Uncertain significance. Last evaluated: 2025-07-03. Review status: criteria provided, single submitter. Criteria: GeneDx Variant Classification Process June 2021. Collection method: clinical testing. Allele origin: germline. Affected: yes.
Comment: Not observed at significant frequency in large population cohorts (gnomAD); In silico analysis supports that this missense variant has a deleterious effect on protein structure/function; Has not been previously published as pathogenic or benign to our knowledge

NM_001170629.2(CHD8):c.2972T>G (p.Leu991Arg)

Gene: CHD8 (chromodomain helicase DNA binding protein 8; minus strand). Cytogenetic location: 14q11.2.
Variant type: single nucleotide variant.
Coding change: c.2972T>G on transcript NM_001170629.2 (MANE Select); coding-DNA position 2972, T replaced by G.
Protein change: p.Leu991Arg; replaces leucine 991 with arginine.
Molecular consequence: missense variant.
Genome position (GRCh38, 1-based): chr14:21,405,800, A>C on the plus strand (T>G on the coding strand, the complement: CHD8 is on the minus strand). VCF-style: chr14-21405800-A-C. GRCh37 (hg19) VCF-style: chr14-21873959-A-C.
Other names: c.2135T>G, p.Leu712Arg (NM_020920.4); short protein forms L712R, L991R.
Identifiers: ClinVar variation 4681170 (VCV004681170.1).